The following is an entry in ClinVar:

NM_001267550.2(TTN):c.99390T>C (p.Pro33130=)

Genes: TTN (titin; minus strand), TTN-AS1 (TTN antisense RNA 1; plus strand). Cytogenetic location: 2q31.2.
Variant type: single nucleotide variant.
Coding change: c.99390T>C on transcript NM_001267550.2 (MANE Select); coding-DNA position 99390, T replaced by C.
Protein change: p.Pro33130=; no amino-acid change (proline 33130 retained).
Molecular consequence: synonymous variant.
Genome position (GRCh38, 1-based): chr2:178,537,817, A>G on the plus strand (T>C on the coding strand, the complement: TTN is on the minus strand). VCF-style: chr2-178537817-A-G. GRCh37 (hg19) VCF-style: chr2-179402544-A-G.
Other names: c.94467T>C, p.Pro31489= (NM_001256850.1); c.72195T>C, p.Pro24065= (NM_003319.4); c.91686T>C, p.Pro30562= (NM_133378.4); c.72570T>C, p.Pro24190= (NM_133432.3); c.72771T>C, p.Pro24257= (NM_133437.4).
Identifiers: ClinVar variation 1757747 (VCV001757747.18), dbSNP rs1292062163, ClinGen allele CA430239608.

ClinVar aggregate classification (germline): Likely benign. Review status: criteria provided, multiple submitters, no conflicts (2 of 4 stars). 3 submissions from 3 submitters: Likely benign (3). Last evaluated 2025-03-18.

Conditions:
Cardiovascular phenotype. Identifiers: MedGen CN230736.
Autosomal recessive limb-girdle muscular dystrophy type 2J (LGMDR10). Also called: MUSCULAR DYSTROPHY, LIMB-GIRDLE, AUTOSOMAL RECESSIVE 10; Limb-girdle muscular dystrophy, type 2J. Identifiers: Orphanet 140922, MedGen C1837342, MONDO:0012127, OMIM 608807.
Dilated cardiomyopathy 1G (CMD1G). Identifiers: Orphanet 154, MedGen C1858763, MONDO:0011400, OMIM 604145.

Allele frequency attached by ClinVar (database versions not stated): gnomAD exomes below 0.00001; TOPMed below 0.00001; gnomAD 0.00001.
gnomAD v4.1: 3 of 1,613,630 alleles (0.00019%); highest among the groups gnomAD compares: Non-Finnish European, 0.00017%; no homozygotes.

Submissions (3):

Labcorp Genetics (formerly Invitae), Labcorp
Classification: Likely benign for Dilated cardiomyopathy 1G; Autosomal recessive limb-girdle muscular dystrophy type 2J. Last evaluated: 2025-03-18. Review status: criteria provided, single submitter. Criteria: Invitae Variant Classification Sherloc (09022015). Collection method: clinical testing. Allele origin: germline.

CeGaT Center for Human Genetics Tuebingen
Classification: Likely benign. Last evaluated: 2024-10-01. Review status: criteria provided, single submitter. Criteria: CeGaT Center For Human Genetics Tuebingen Variant Classification Criteria Version 2. Collection method: clinical testing. Allele origin: germline. Affected: yes. Observed: 1 variant allele.
Comment: TTN: BP4, BP7

Ambry Genetics
Classification: Likely benign for Cardiovascular phenotype. Last evaluated: 2020-06-29. Review status: criteria provided, single submitter. Criteria: Ambry Variant Classification Scheme 2023. Collection method: clinical testing. Allele origin: germline.